The following is an entry in ClinVar:

ClinVar aggregate classification (germline): Uncertain significance. Review status: criteria provided, multiple submitters, no conflicts (2 of 4 stars). 2 submissions from 2 submitters: Uncertain significance (2). Last evaluated 2025-08-07.

Conditions:
Arrhythmogenic cardiomyopathy with wooly hair and keratoderma. Also called: Arrhythmogenic cardiomyopathy with woolly hair and keratoderma; PALMOPLANTAR KERATODERMA WITH LEFT VENTRICULAR CARDIOMYOPATHY AND WOOLLY HAIR; Carvajal syndrome; Dilated cardiomyopathy with woolly hair and keratoderma. Identifiers: Orphanet 65282, MedGen C1854063, MONDO:0011581, OMIM 605676.
Arrhythmogenic right ventricular dysplasia 8 (ARVD8). Also called: Arrhythmogenic Right Ventricular Dysplasia/Cardiomyopathy 8; ARRHYTHMOGENIC RIGHT VENTRICULAR DYSPLASIA, FAMILIAL, 8; ARRHYTHMOGENIC RIGHT VENTRICULAR CARDIOMYOPATHY 8. Identifiers: MedGen C1843896, MONDO:0011831, OMIM 607450.
Cardiomyopathy (CMYO). Also called: Cardiomyopathies. Identifiers: Orphanet 167848, MedGen C0878544, MONDO:0004994, HP:0001638. Inheritance: Various modes of inheritance.

Allele frequency attached by ClinVar (database versions not stated): gnomAD exomes below 0.00001; gnomAD 0.00001.
gnomAD v4.1: 4 of 1,576,506 alleles (0.00025%); highest among the groups gnomAD compares: Non-Finnish European, 0.00034%; no homozygotes.

Submissions (2):

Color Diagnostics, LLC DBA Color Health
Classification: Uncertain significance for Cardiomyopathy. Last evaluated: 2025-08-07. Review status: criteria provided, single submitter. Criteria: ACMG Guidelines, 2015. Collection method: clinical testing. Allele origin: germline.
Comment: This missense variant replaces tyrosine with cysteine at codon 42 of the DSP protein. Computational prediction suggests that this variant may not impact protein structure and function. To our knowledge, functional studies have not been reported for this variant. This variant has not been reported in individuals affected with DSP-related disorders in the literature. This variant has not been identified in the general population by the Genome Aggregation Database (gnomAD). The available evidence is insufficient to determine the role of this variant in disease conclusively. Therefore, this variant is classified as a Variant of Uncertain Significance.

Labcorp Genetics (formerly Invitae), Labcorp
Classification: Uncertain significance for Arrhythmogenic cardiomyopathy with wooly hair and keratoderma; Arrhythmogenic right ventricular dysplasia 8. Last evaluated: 2022-11-09. Review status: criteria provided, single submitter. Criteria: Invitae Variant Classification Sherloc (09022015). Collection method: clinical testing. Allele origin: germline.
Comment: In summary, the available evidence is currently insufficient to determine the role of this variant in disease. Therefore, it has been classified as a Variant of Uncertain Significance. Algorithms developed to predict the effect of missense changes on protein structure and function (SIFT, PolyPhen-2, Align-GVGD) all suggest that this variant is likely to be tolerated. This variant has not been reported in the literature in individuals affected with DSP-related conditions. This variant is not present in population databases (gnomAD no frequency). This sequence change replaces tyrosine, which is neutral and polar, with cysteine, which is neutral and slightly polar, at codon 42 of the DSP protein (p.Tyr42Cys).

NM_004415.4(DSP):c.125A>G (p.Tyr42Cys)

Genes: DSP (desmoplakin; plus strand), DSP-AS1 (DSP antisense RNA 1; minus strand). Cytogenetic location: 6p24.3.
Variant type: single nucleotide variant.
Coding change: c.125A>G on transcript NM_004415.4 (MANE Select); coding-DNA position 125, A replaced by G.
Protein change: p.Tyr42Cys; replaces tyrosine 42 with cysteine.
Molecular consequence: missense variant.
Genome position (GRCh38, 1-based): chr6:7,542,040, A>G. VCF-style: chr6-7542040-A-G. GRCh37 (hg19) VCF-style: chr6-7542273-A-G.
Other names: c.125A>G, p.Tyr42Cys (NM_001008844.3, NM_001319034.2, NM_001406591.1); short protein forms Y42C.
Identifiers: ClinVar variation 2935615 (VCV002935615.4), dbSNP rs1335076110, ClinGen allele CA362675884.